The following is an entry in ClinVar:

NM_000155.4(GALT):c.904+1G>T

Gene: GALT (galactose-1-phosphate uridylyltransferase; plus strand). Cytogenetic location: 9p13.3.
Variant type: single nucleotide variant.
Coding change: c.904+1G>T on transcript NM_000155.4 (MANE Select); the canonical splice donor site of the intron after coding-DNA position 904, G replaced by T.
Molecular consequence: splice donor variant.
Genome position (GRCh38, 1-based): chr9:34,649,082, G>T. VCF-style: chr9-34649082-G-T. GRCh37 (hg19) VCF-style: chr9-34649079-G-T.
Other names: c.577+1G>T (NM_001258332.2).
Identifiers: ClinVar variation 38554 (VCV000038554.27), dbSNP rs367543271, ClinGen allele CA261031.

ClinVar aggregate classification (germline): Pathogenic/Likely pathogenic. Review status: criteria provided, multiple submitters, no conflicts (2 of 4 stars). 9 submissions from 9 submitters: Pathogenic (6); Likely pathogenic (2). 1 of the submissions does not count toward it. Last evaluated 2025-11-06.

Conditions:
Galactosemia. Also called: Galactose intolerance. Identifiers: Orphanet 352, MedGen C0016952, MONDO:0018116, HP:0004919. Disease mechanism: loss of function.
Deficiency of UDPglucose-hexose-1-phosphate uridylyltransferase. Also called: GALACTOSE-1-PHOSPHATE URIDYLYLTRANSFERASE DEFICIENCY; GALT deficiency; Galactosemia, classic; Transferase Deficiency Galactosemia; GALACTOSEMIA I. Identifiers: Orphanet 352, Orphanet 79239, MedGen C0268151, MONDO:0009258, OMIM 230400.

gnomAD v4.1: 2 of 1,613,976 alleles (0.00012%); highest among the groups gnomAD compares: South Asian, 0.0022%; no homozygotes.

Submissions (9):

Natera, Inc.
Classification: Likely pathogenic for Galactosemia. Last evaluated: 2025-11-06. Review status: criteria provided, single submitter. Criteria: Natera Variant Classification Schema (03/2026). Collection method: clinical testing. Allele origin: germline.
Comment: The c.904+1G>T variant in GALT is a canonical splice donor site variant predicted to affect pre-mRNA splicing, which may result in an abnormal transcript and altered protein product. This variant is expected to result in nonsense mediated decay, truncation, or a dysfunctional protein product. This variant is rare in the general population with a frequency below the threshold expected for the associated phenotype(s). This variant has been observed in one or more individuals affected with the associated recessive disease, as either homozygous or compound heterozygous with a second variant (PMID: 29653003). Functional studies show that this variant may disrupt protein function (PMID: 40233430). Given the available evidence, this variant is classified as Likely Pathogenic.

3billion
Classification: Pathogenic for Deficiency of UDPglucose-hexose-1-phosphate uridylyltransferase. Last evaluated: 2025-08-26. Review status: criteria provided, single submitter. Criteria: ACMG Guidelines, 2015. Collection method: clinical testing. Allele origin: germline. Affected: yes.
Comment: The variant is observed at an extremely low frequency in the gnomAD v4.1.0 dataset (total allele frequency: <0.001%). Predicted Consequence/Location: Canonical splice site: predicted to alter splicing and result in a loss or disruption of normal protein function. Multiple pathogenic loss-of-function variants are reported downstream of the variant. The variant has been reported at least twice as pathogenic with clinical assertions and evidence for the classification (ClinVar ID: VCV000038554). Therefore, this variant is classified as Pathogenic according to the recommendation of ACMG/AMP guideline.

Neuberg Centre For Genomic Medicine, NCGM
Classification: Pathogenic for Deficiency of UDPglucose-hexose-1-phosphate uridylyltransferase. Last evaluated: 2024-02-01. Review status: criteria provided, single submitter. Criteria: ACMG Guidelines, 2015. Collection method: clinical testing. Allele origin: germline. Inheritance: Autosomal recessive inheritance.
Comment: The observed splice donor variant in GALT gene has been reported previously in homozygous or compound heterozygous state in multiple individuals affected with galactosemia (Zhang et al., 2018). This variant is reported with the allele frequency of 0.0008% in the gnomAD Exomes. This variant has been reported to the ClinVar database as Uncertain Significance / Likely Pathogenic / Pathogenic (multiple submissions). This variant affects the position 1 nucleotide downstream of exon 8. The spliceAI tool predicts that this splice site variant is damaging. For these reasons, this variant has been classified as Pathogenic.

Baylor Genetics
Classification: Pathogenic for Deficiency of UDPglucose-hexose-1-phosphate uridylyltransferase. Last evaluated: 2023-12-15. Review status: criteria provided, single submitter. Criteria: ACMG Guidelines, 2015. Collection method: clinical testing. Allele origin: unknown.

Labcorp Genetics (formerly Invitae), Labcorp
Classification: Pathogenic for Deficiency of UDPglucose-hexose-1-phosphate uridylyltransferase. Last evaluated: 2023-09-27. Review status: criteria provided, single submitter. Criteria: Invitae Variant Classification Sherloc (09022015). Collection method: clinical testing. Allele origin: germline.
Comment: This sequence change affects a donor splice site in intron 9 of the GALT gene. It is expected to disrupt RNA splicing. Variants that disrupt the donor or acceptor splice site typically lead to a loss of protein function (PMID: 16199547), and loss-of-function variants in GALT are known to be pathogenic (PMID: 22944367). This variant is present in population databases (rs367543271, gnomAD 0.006%). Disruption of this splice site has been observed in individuals with galactosemia (PMID: 28173647, 29653003). ClinVar contains an entry for this variant (Variation ID: 38554). Algorithms developed to predict the effect of sequence changes on RNA splicing suggest that this variant may disrupt the consensus splice site. For these reasons, this variant has been classified as Pathogenic.

Fulgent Genetics
Classification: Likely pathogenic for Deficiency of UDPglucose-hexose-1-phosphate uridylyltransferase. Last evaluated: 2021-08-25. Review status: criteria provided, single submitter. Criteria: ACMG Guidelines, 2015. Collection method: clinical testing. Allele origin: unknown.

Eurofins Ntd Llc (ga)
Classification: Pathogenic. Last evaluated: 2012-11-01. Review status: criteria provided, single submitter. Criteria: EGL Classification Definitions 2015. Collection method: clinical testing. Allele origin: germline. Observed: 2 variant alleles, 2 heterozygotes.

Suma Genomics
Classification: Pathogenic for Deficiency of UDPglucose-hexose-1-phosphate uridylyltransferase. Review status: criteria provided, single submitter. Criteria: ACMG Guidelines, 2015. Collection method: clinical testing. Allele origin: inherited. Inheritance: Autosomal recessive inheritance. Affected: yes.

Lifecell International Pvt. Ltd
Classification: Pathogenic for Deficiency of UDPglucose-hexose-1-phosphate uridylyltransferase. Review status: no assertion criteria provided. Collection method: clinical testing. Allele origin: germline. Inheritance: Autosomal recessive inheritance. Affected: yes. Observed: 1 variant allele, 1 homozygote. Not counted in ClinVar's aggregate classification.
Comment: This variant presents in intron 9 of the GALT gene results affects a donor splice site. These Null variant (intronic within Ã‚Â±2 of splice site), for which loss-of-function is associated with Galactosemiamechanism of disease. The reference base is conserved across the species and in-silico predictions by Polyphen and SIFT are damaging. This variant has been observed in individual(s) with galactosemia (PMID: 28173647, 29653003).

Literature cited by the submitters: PubMed 29653003 (cited by Natera, Inc. and Labcorp Genetics (formerly Invitae), Labcorp); PubMed 40233430 (cited by Natera, Inc.); PubMed 16199547 (cited by Labcorp Genetics (formerly Invitae), Labcorp); PubMed 22944367 (cited by Labcorp Genetics (formerly Invitae), Labcorp); PubMed 28173647 (cited by Labcorp Genetics (formerly Invitae), Labcorp).